The following is an entry in ClinVar:

NM_130849.4(SLC39A4):c.1386del (p.Lys463fs)

Gene: SLC39A4 (solute carrier family 39 member 4; minus strand). Cytogenetic location: 8q24.3.
Variant type: Deletion.
Coding change: c.1386del on transcript NM_130849.4 (MANE Select); coding-DNA position 1386, one base deleted (C; older notation c.1386delC).
Protein change: p.Lys463fs; shifts the reading frame from lysine 463.
Molecular consequence: frameshift variant.
Genome position (GRCh38, 1-based): chr8:144,413,783, G deleted on the plus strand (C on the coding strand, the reverse complement: SLC39A4 is on the minus strand); the first of 3 consecutive G bases (chr8:144,413,783-144,413,785); deleting any one gives the same sequence. VCF-style (leftmost placement, unchanged base first): chr8-144413782-TG-T. GRCh37 (hg19) VCF-style: chr8-145639166-TG-T.
Other names: c.1104del, p.Lys369fs (NM_001374839.1); c.1311del, p.Lys438fs (NM_017767.3); c.1386del (NM_130849.3); short protein forms K438fs, K369fs, K463fs.
Identifiers: ClinVar variation 1903268 (VCV001903268.6), dbSNP rs2537429685, ClinGen allele CA913129202.

ClinVar aggregate classification (germline): Pathogenic/Likely pathogenic. Review status: criteria provided, multiple submitters, no conflicts (2 of 4 stars). 2 submissions from 2 submitters: Pathogenic (1); Likely pathogenic (1). Last evaluated 2024-10-30.

Conditions:
Hereditary acrodermatitis enteropathica (AEZ). Also called: Acrodermatitis enteropathica. Identifiers: Orphanet 37, MedGen C0221036, MONDO:0008713, OMIM 201100.

Submissions (2):

Natera, Inc.
Classification: Likely pathogenic for Acrodermatitis enteropathica. Last evaluated: 2024-10-30. Review status: criteria provided, single submitter. Criteria: Natera Variant Classification Schema (03/2026). Collection method: clinical testing. Allele origin: germline.
Comment: The c.1386del variant in SLC39A4 is a frameshift variant predicted to shift the reading frame beginning at codon 463 and leads to a stop codon 20 codons downstream. This variant is expected to result in nonsense mediated decay, truncation, or a dysfunctional protein product. This variant is rare in the general population with a frequency below the threshold expected for the associated phenotype(s). Given the available evidence, this variant is classified as Likely Pathogenic.

Labcorp Genetics (formerly Invitae), Labcorp
Classification: Pathogenic. Last evaluated: 2023-06-07. Review status: criteria provided, single submitter. Criteria: Invitae Variant Classification Sherloc (09022015). Collection method: clinical testing. Allele origin: germline.
Comment: This variant is not present in population databases (gnomAD no frequency). This sequence change creates a premature translational stop signal (p.Lys463Serfs*20) in the SLC39A4 gene. It is expected to result in an absent or disrupted protein product. Loss-of-function variants in SLC39A4 are known to be pathogenic (PMID: 12955721). For these reasons, this variant has been classified as Pathogenic. ClinVar contains an entry for this variant (Variation ID: 1903268). This variant has not been reported in the literature in individuals affected with SLC39A4-related conditions.

Literature cited by the submitters: PubMed 12955721 (cited by Labcorp Genetics (formerly Invitae), Labcorp).